The following is an entry in ClinVar:

ClinVar aggregate classification (germline): Likely benign. Review status: criteria provided, single submitter (1 of 4 stars). 2 submissions from 2 submitters: Likely benign (1). 1 of the submissions does not count toward it. Last evaluated 2025-07-29.

Conditions:
NADK2-related disorder. Also called: NADK2-related condition.
Progressive encephalopathy with leukodystrophy due to DECR deficiency. Identifiers: Orphanet 431361, MedGen C1857252, MONDO:0014464, OMIM 616034.

Allele frequency attached by ClinVar (database versions not stated): ExAC 0.00001; gnomAD 0.00002; gnomAD exomes 0.00002; TOPMed 0.00002.
gnomAD v4.1: 33 of 1,612,872 alleles (0.002%); highest among the groups gnomAD compares: Non-Finnish European, 0.0028%; no homozygotes.

Submissions (2):

Labcorp Genetics (formerly Invitae), Labcorp
Classification: Likely benign for Progressive encephalopathy with leukodystrophy due to DECR deficiency. Last evaluated: 2025-07-29. Review status: criteria provided, single submitter. Criteria: Invitae Variant Classification Sherloc (09022015). Collection method: clinical testing. Allele origin: germline.

PreventionGenetics, part of Exact Sciences
Classification: Likely benign for NADK2-related condition. Last evaluated: 2021-10-16. Review status: no assertion criteria provided. Collection method: clinical testing. Allele origin: germline. Not counted in ClinVar's aggregate classification.
Comment: This variant is classified as likely benign based on ACMG/AMP sequence variant interpretation guidelines (Richards et al. 2015 PMID: 25741868, with internal and published modifications).

NM_001085411.3(NADK2):c.891T>C (p.Asp297=)

Gene: NADK2 (NAD kinase 2, mitochondrial; minus strand). Cytogenetic location: 5p13.2.
Variant type: single nucleotide variant.
Coding change: c.891T>C on transcript NM_001085411.3 (MANE Select); coding-DNA position 891, T replaced by C.
Protein change: p.Asp297=; no amino-acid change (aspartic acid 297 retained).
Molecular consequence: synonymous variant.
Genome position (GRCh38, 1-based): chr5:36,207,235, A>G on the plus strand (T>C on the coding strand, the complement: NADK2 is on the minus strand). VCF-style: chr5-36207235-A-G. GRCh37 (hg19) VCF-style: chr5-36207337-A-G.
Other names: c.402T>C, p.Asp134= (NM_001287340.2, NM_153013.5); c.468T>C, p.Asp156= (NM_001287341.2).
Identifiers: ClinVar variation 3054463 (VCV003054463.3), dbSNP rs761041760, ClinGen allele CA3234574.